The following is an entry in ClinVar:

NM_000218.3(KCNQ1):c.1514+22706C>T

Genes: KCNQ1 (potassium voltage-gated channel subfamily Q member 1; plus strand), KCNQ1OT1 (KCNQ1 opposite strand/antisense transcript 1; minus strand). Cytogenetic location: 11p15.5.
Variant type: single nucleotide variant.
Coding change: c.1514+22706C>T on transcript NM_000218.3 (MANE Select); 22706 bases into the intron after coding-DNA position 1514, C replaced by T.
Molecular consequence: intron variant. On other transcripts: non-coding transcript variant (1).
Genome position (GRCh38, 1-based): chr11:2,684,787, C>T. VCF-style: chr11-2684787-C-T. GRCh37 (hg19) VCF-style: chr11-2706017-C-T.
Other names: c.1244+22706C>T (NM_001406837.1); c.1418+22706C>T (NM_001406836.1); c.974+22706C>T (NM_001406838.1); c.1133+22706C>T (NM_181798.2).
Identifiers: ClinVar variation 3030204 (VCV003030204.2), dbSNP rs540870368, ClinGen allele CA216187596.

ClinVar aggregate classification (germline): Likely benign (0 of 4 stars; one submission).

Conditions:
KCNQ1-related disorder. Also called: KCNQ1-related disorders; KCNQ1-related condition. Identifiers: MedGen CN239322.

Allele frequency attached by ClinVar (database versions not stated): gnomAD exomes 0.00010; gnomAD 0.00048; TOPMed 0.00063; 1000 Genomes Project 30x 0.00094; 1000 Genomes Project 0.00100.
gnomAD v4.1: 95 of 398,632 alleles (0.024%); highest among the groups gnomAD compares: African/African-American, 0.18%; no homozygotes.

Submission:

PreventionGenetics, part of Exact Sciences
Classification: Likely benign for KCNQ1-related condition. Last evaluated: 2022-04-18. Review status: no assertion criteria provided. Collection method: clinical testing. Allele origin: germline.
Comment: This variant is classified as likely benign based on ACMG/AMP sequence variant interpretation guidelines (Richards et al. 2015 PMID: 25741868, with internal and published modifications).